The following is an entry in ClinVar:

ClinVar aggregate classification (germline): Uncertain significance (1 of 4 stars; one submission).

Conditions:
Hereditary cancer-predisposing syndrome. Also called: Tumor predisposition; Hereditary neoplastic syndrome; Neoplastic Syndromes, Hereditary; Hereditary Cancer Syndrome. Identifiers: Orphanet 140162, MedGen C0027672, MeSH D009386, MONDO:0015356.

Submission:

Ambry Genetics
Classification: Uncertain significance for Hereditary cancer-predisposing syndrome. Last evaluated: 2025-05-31. Review status: criteria provided, single submitter. Criteria: Ambry Variant Classification Scheme 2023. Collection method: clinical testing. Allele origin: germline.
Comment: The p.P188S variant (also known as c.562C>T), located in coding exon 2 of the CDKN1B gene, results from a C to T substitution at nucleotide position 562. The proline at codon 188 is replaced by serine, an amino acid with similar properties. This amino acid position is conserved. In addition, the in silico prediction for this alteration is inconclusive. Based on the available evidence, the clinical significance of this variant remains unclear.

NM_004064.5(CDKN1B):c.562C>T (p.Pro188Ser)

Gene: CDKN1B (cyclin dependent kinase inhibitor 1B; plus strand). Cytogenetic location: 12p13.1.
Variant type: single nucleotide variant.
Coding change: c.562C>T on transcript NM_004064.5 (MANE Select); coding-DNA position 562, C replaced by T.
Protein change: p.Pro188Ser; replaces proline 188 with serine.
Molecular consequence: missense variant.
Genome position (GRCh38, 1-based): chr12:12,718,911, C>T. VCF-style: chr12-12718911-C-T. GRCh37 (hg19) VCF-style: chr12-12871845-C-T.
Other names: short protein forms P188S.
Identifiers: ClinVar variation 3999755 (VCV003999755.1).